The following is an entry in ClinVar:

NM_000435.3(NOTCH3):c.4431C>A (p.Asp1477Glu)

Gene: NOTCH3 (notch receptor 3; minus strand). Cytogenetic location: 19p13.12.
Variant type: single nucleotide variant.
Coding change: c.4431C>A on transcript NM_000435.3 (MANE Select); coding-DNA position 4431, C replaced by A.
Protein change: p.Asp1477Glu; replaces aspartic acid 1477 with glutamic acid.
Molecular consequence: missense variant.
Genome position (GRCh38, 1-based): chr19:15,174,373, G>T on the plus strand (C>A on the coding strand, the complement: NOTCH3 is on the minus strand). VCF-style: chr19-15174373-G-T. GRCh37 (hg19) VCF-style: chr19-15285184-G-T.
Other names: short protein forms D1477E.
Identifiers: ClinVar variation 2756747 (VCV002756747.3), dbSNP rs1318509461, ClinGen allele CA404501569.

ClinVar aggregate classification (germline): Uncertain significance (1 of 4 stars; one submission).

Submission:

Labcorp Genetics (formerly Invitae), Labcorp
Classification: Uncertain significance. Last evaluated: 2023-08-30. Review status: criteria provided, single submitter. Criteria: Invitae Variant Classification Sherloc (09022015). Collection method: clinical testing. Allele origin: germline.
Comment: This sequence change replaces aspartic acid, which is acidic and polar, with glutamic acid, which is acidic and polar, at codon 1477 of the NOTCH3 protein (p.Asp1477Glu). This variant is not present in population databases (gnomAD no frequency). In summary, the available evidence is currently insufficient to determine the role of this variant in disease. Therefore, it has been classified as a Variant of Uncertain Significance. Advanced modeling of protein sequence and biophysical properties (such as structural, functional, and spatial information, amino acid conservation, physicochemical variation, residue mobility, and thermodynamic stability) performed at Invitae indicates that this missense variant is not expected to disrupt NOTCH3 protein function. This variant has not been reported in the literature in individuals affected with NOTCH3-related conditions.